The following is an entry in ClinVar:

ClinVar aggregate classification (germline): Uncertain significance. Review status: criteria provided, multiple submitters, no conflicts (2 of 4 stars). 2 submissions from 2 submitters: Uncertain significance (2). Last evaluated 2025-01-08.

Conditions:
Autosomal recessive limb-girdle muscular dystrophy type 2A (LGMDR1). Also called: LEYDEN-MOEBIUS MUSCULAR DYSTROPHY; MUSCULAR DYSTROPHY, PELVOFEMORAL; Limb-girdle muscular dystrophy, type 2A; Calpainopathy; Muscular dystrophy, limb-girdle, type 2A, Amish. Identifiers: Orphanet 267, MedGen C1869123, MONDO:0009675, OMIM 253600. Disease mechanism: loss of function.

Submissions (2):

3billion
Classification: Uncertain significance for Autosomal recessive limb-girdle muscular dystrophy type 2A. Last evaluated: 2025-01-08. Review status: criteria provided, single submitter. Criteria: ACMG Guidelines, 2015. Collection method: clinical testing. Allele origin: germline. Affected: yes.
Comment: The variant is not observed in the gnomAD v4.1.0 dataset. Predicted Consequence/Location: Missense variant In silico tool predictions suggest damaging effect of the variant on gene or gene product [REVEL: 0.93 (>=0.6, sensitivity 0.68 and specificity 0.92); 3Cnet: 0.98 (>=0.6, sensitivity 0.72 and precision 0.9)]. Therefore, this variant is classified as VUS according to the recommendation of ACMG/AMP guideline.

Blueprint Genetics
Classification: Uncertain significance. Last evaluated: 2021-12-07. Review status: criteria provided, single submitter. Criteria: ACMG Guidelines, 2015. Collection method: clinical testing. Allele origin: germline.

NM_000070.3(CAPN3):c.1559T>C (p.Leu520Pro)

Gene: CAPN3 (calpain 3; plus strand). Cytogenetic location: 15q15.1.
Variant type: single nucleotide variant.
Coding change: c.1559T>C on transcript NM_000070.3 (MANE Select); coding-DNA position 1559, T replaced by C.
Protein change: p.Leu520Pro; replaces leucine 520 with proline.
Molecular consequence: missense variant.
Genome position (GRCh38, 1-based): chr15:42,402,816, T>C. VCF-style: chr15-42402816-T-C. GRCh37 (hg19) VCF-style: chr15-42695014-T-C.
Other names: c.1559T>C, p.Leu520Pro (NM_024344.2); c.1415T>C, p.Leu472Pro (NM_173087.2); c.23T>C, p.Leu8Pro (NM_173088.2); short protein forms L472P, L520P, L8P.
Identifiers: ClinVar variation 4291948 (VCV004291948.2).